The following is an entry in ClinVar:

ClinVar aggregate classification (germline): Uncertain significance. Review status: criteria provided, multiple submitters, no conflicts (2 of 4 stars). 4 submissions from 4 submitters: Uncertain significance (4). Last evaluated 2024-10-02.

Conditions:
Brain small vessel disease 2A, autosomal dominant. Also called: Porencephaly 2. Identifiers: Orphanet 2940, Orphanet 99810, MedGen C3280970, MONDO:0013773, OMIM 614483.

Allele frequency attached by ClinVar (database versions not stated): gnomAD 0.00002 and 0.00003; TOPMed 0.00005; ExAC 0.00001; gnomAD exomes 0.00001.
gnomAD v4.1: 39 of 1,613,446 alleles (0.0024%); highest among the groups gnomAD compares: East Asian, 0.011%; no homozygotes.

Submissions (4):

Labcorp Genetics (formerly Invitae), Labcorp
Classification: Uncertain significance. Last evaluated: 2024-10-02. Review status: criteria provided, single submitter. Criteria: Invitae Variant Classification Sherloc (09022015). Collection method: clinical testing. Allele origin: germline.
Comment: This sequence change replaces glycine, which is neutral and non-polar, with serine, which is neutral and polar, at codon 1661 of the COL4A2 protein (p.Gly1661Ser). This variant is present in population databases (rs373806617, gnomAD 0.01%). This variant has not been reported in the literature in individuals affected with COL4A2-related conditions. ClinVar contains an entry for this variant (Variation ID: 996832). Invitae Evidence Modeling of protein sequence and biophysical properties (such as structural, functional, and spatial information, amino acid conservation, physicochemical variation, residue mobility, and thermodynamic stability) indicates that this missense variant is not expected to disrupt COL4A2 protein function with a negative predictive value of 80%. In summary, the available evidence is currently insufficient to determine the role of this variant in disease. Therefore, it has been classified as a Variant of Uncertain Significance.

GeneDx
Classification: Uncertain significance. Last evaluated: 2022-10-04. Review status: criteria provided, single submitter. Criteria: GeneDx Variant Classification Process June 2021. Collection method: clinical testing. Allele origin: germline. Affected: yes.
Comment: Identified in a patient (maternally inherited) with severe craniofacial anomalies who also harbored a de novo variant in the TASP1 gene in published literature (Balkin et al., 2019); Not located in the triple helical region, where the majority of pathogenic missense variants occur; In silico analysis supports that this missense variant does not alter protein structure/function; This variant is associated with the following publications: (PMID: 31350873)

New York Genome Center
Classification: Uncertain significance for Brain small vessel disease 2A, autosomal dominant. Last evaluated: 2019-09-10. Review status: criteria provided, single submitter. Criteria: NYGC Assertion Criteria 2020. Collection method: clinical testing. Allele origin: germline. Inheritance: Autosomal dominant inheritance. Observed: 1 heterozygote. Study: CSER-NYCKidSeq.

Breakthrough Genomics
Classification: Uncertain significance. Review status: criteria provided, single submitter. Criteria: ACMG Guidelines, 2015. Collection method: not provided. Allele origin: germline. Inheritance: Autosomal dominant inheritance. Affected: yes.

NM_001846.4(COL4A2):c.4981G>A (p.Gly1661Ser)

Gene: COL4A2 (collagen type IV alpha 2 chain; plus strand). Cytogenetic location: 13q34.
Variant type: single nucleotide variant.
Coding change: c.4981G>A on transcript NM_001846.4 (MANE Select); coding-DNA position 4981, G replaced by A.
Protein change: p.Gly1661Ser; replaces glycine 1661 with serine.
Molecular consequence: missense variant.
Genome position (GRCh38, 1-based): chr13:110,512,033, G>A. VCF-style: chr13-110512033-G-A. GRCh37 (hg19) VCF-style: chr13-111164380-G-A.
Other names: short protein forms G1661S.
Identifiers: ClinVar variation 996832 (VCV000996832.9), dbSNP rs373806617, ClinGen allele CA7050729.